The following is an entry in ClinVar:

ClinVar aggregate classification (germline): Uncertain significance (1 of 4 stars; one submission).

Submission:

GeneDx
Classification: Uncertain significance. Last evaluated: 2019-04-18. Review status: criteria provided, single submitter. Criteria: GeneDx Variant Classification Process June 2021. Collection method: clinical testing. Allele origin: germline. Affected: yes.
Comment: Not observed in large population cohorts (Lek et al., 2016); In silico analysis, which includes protein predictors and evolutionary conservation, supports that this variant does not alter protein structure/function; Has not been previously published as pathogenic or benign to our knowledge

NM_138711.6(PPARG):c.1421T>C (p.Leu474Ser)

Gene: PPARG (peroxisome proliferator activated receptor gamma; plus strand). Cytogenetic location: 3p25.2.
Variant type: single nucleotide variant.
Coding change: c.1421T>C on transcript NM_138711.6 (MANE Select); coding-DNA position 1421, T replaced by C.
Protein change: p.Leu474Ser; replaces leucine 474 with serine.
Molecular consequence: missense variant. On other transcripts: 3 prime UTR variant (5).
Genome position (GRCh38, 1-based): chr3:12,434,138, T>C. VCF-style: chr3-12434138-T-C. GRCh37 (hg19) VCF-style: chr3-12475637-T-C.
Other names: c.*223T>C (NM_001330615.4, NM_001374261.3, NM_001374262.3 and 1 more transcripts); c.1421T>C, p.Leu474Ser (NM_001354666.3, NM_001354667.3, NM_001374263.2 and 3 more transcripts); c.794T>C, p.Leu265Ser (NM_001354669.2); c.*207T>C (NM_001374266.1); c.1511T>C, p.Leu504Ser (NM_015869.5); short protein forms L265S, L474S, L504S.
Identifiers: ClinVar variation 1316219 (VCV001316219.2), dbSNP rs2125324301, ClinGen allele CA351468321.
Genomic context (GRCh38, chr3:12,434,138, plus strand): 5'-TCAAGAAGACGGAGACAGACATGAGTCTTCACCCGCTCCTGCAGGAGATCTACAAGGACT[T>C]GTACTAGCAGAGAGTCCTGAGCCACTGCCAACATTTCCCTTCTTCCAGTTGCACTATTCT-3'
Protein context (NP_619725.3, residues 464-475): HPLLQEIYKD[Leu474Ser]Y